The following is an entry in ClinVar:

ClinVar aggregate classification (germline): Uncertain significance (1 of 4 stars; one submission).

Conditions:
MHC class II deficiency. Also called: Bare lymphocyte syndrome 2; BLS, TYPE II. Identifiers: Orphanet 572, MedGen C5447452, MONDO:0008855.

gnomAD v4.1: 4 of 1,612,122 alleles (0.00025%); highest among the groups gnomAD compares: Non-Finnish European, 0.00034%; no homozygotes.

Submission:

Labcorp Genetics (formerly Invitae), Labcorp
Classification: Uncertain significance for MHC class II deficiency. Last evaluated: 2024-09-09. Review status: criteria provided, single submitter. Criteria: Invitae Variant Classification Sherloc (09022015). Collection method: clinical testing. Allele origin: germline.
Comment: This sequence change replaces alanine, which is neutral and non-polar, with serine, which is neutral and polar, at codon 436 of the CIITA protein (p.Ala436Ser). This variant is present in population databases (rs757201187, gnomAD 0.0009%). This variant has not been reported in the literature in individuals affected with CIITA-related conditions. An algorithm developed to predict the effect of missense changes on protein structure and function (PolyPhen-2) suggests that this variant is likely to be disruptive. In summary, the available evidence is currently insufficient to determine the role of this variant in disease. Therefore, it has been classified as a Variant of Uncertain Significance.

NM_000246.4(CIITA):c.1306G>T (p.Ala436Ser)

Gene: CIITA (class II major histocompatibility complex transactivator; plus strand). Cytogenetic location: 16p13.13.
Variant type: single nucleotide variant.
Coding change: c.1306G>T on transcript NM_000246.4 (MANE Select); coding-DNA position 1306, G replaced by T.
Protein change: p.Ala436Ser; replaces alanine 436 with serine.
Molecular consequence: missense variant. On other transcripts: intron variant (1).
Genome position (GRCh38, 1-based): chr16:10,906,798, G>T. VCF-style: chr16-10906798-G-T. GRCh37 (hg19) VCF-style: chr16-11000655-G-T.
Other names: c.1237G>T, p.Ala413Ser (NM_001379334.1); c.859+1986G>T (NM_001286403.2); c.1309G>T, p.Ala437Ser (NM_001286402.1, NM_001379332.1); c.1162G>T, p.Ala388Ser (NM_001379330.1); c.1159G>T, p.Ala387Ser (NM_001379331.1); c.1306G>T, p.Ala436Ser (NM_001379333.1); short protein forms A436S, A437S, A413S, A387S, A388S.
Identifiers: ClinVar variation 3709437 (VCV003709437.1).